The following is an entry in ClinVar:

ClinVar aggregate classification (germline): Uncertain significance (1 of 4 stars; one submission).

Conditions:
Cardiovascular phenotype. Identifiers: MedGen CN230736.

Submission:

Ambry Genetics
Classification: Uncertain significance for Cardiovascular phenotype. Last evaluated: 2022-10-24. Review status: criteria provided, single submitter. Criteria: Ambry Variant Classification Scheme 2023. Collection method: clinical testing. Allele origin: germline.
Comment: The p.A2665P variant (also known as c.7993G>C), located in coding exon 53 of the RYR2 gene, results from a G to C substitution at nucleotide position 7993. The alanine at codon 2665 is replaced by proline, an amino acid with highly similar properties. This amino acid position is highly conserved in available vertebrate species. In addition, this alteration is predicted to be deleterious by in silico analysis. Since supporting evidence is limited at this time, the clinical significance of this alteration remains unclear.

NM_001035.3(RYR2):c.7993G>C (p.Ala2665Pro)

Gene: RYR2 (ryanodine receptor 2; plus strand). Cytogenetic location: 1q43.
Variant type: single nucleotide variant.
Coding change: c.7993G>C on transcript NM_001035.3 (MANE Select); coding-DNA position 7993, G replaced by C.
Protein change: p.Ala2665Pro; replaces alanine 2665 with proline.
Molecular consequence: missense variant.
Genome position (GRCh38, 1-based): chr1:237,655,848, G>C. VCF-style: chr1-237655848-G-C. GRCh37 (hg19) VCF-style: chr1-237819148-G-C.
Other names: short protein forms A2665P.
Identifiers: ClinVar variation 1761523 (VCV001761523.2), dbSNP rs781720499, ClinGen allele CA345400772.